The following is an entry in ClinVar:

NM_006059.4(LAMC3):c.2430C>A (p.Cys810Ter)

Gene: LAMC3 (laminin subunit gamma 3; plus strand). Cytogenetic location: 9q34.12.
Variant type: single nucleotide variant.
Coding change: c.2430C>A on transcript NM_006059.4 (MANE Select); coding-DNA position 2430, C replaced by A.
Protein change: p.Cys810Ter; replaces cysteine 810 with a stop codon.
Molecular consequence: nonsense.
Genome position (GRCh38, 1-based): chr9:131,067,042, C>A. VCF-style: chr9-131067042-C-A. GRCh37 (hg19) VCF-style: chr9-133942429-C-A.
Other names: short protein forms C810*.
Identifiers: ClinVar variation 497752 (VCV000497752.10), dbSNP rs769118642, ClinGen allele CA5287431.
Genomic context (GRCh38, chr9:131,067,042, plus strand): 5'-TGATGGCTTTTTTGGGGACCCGCTGGGGCTCTTTGGGCACCCCCAGCCCTGCCACCAGTG[C>A]CAGTGTAGCGGGAACGTGGACCCCAATGCCGTGGGCAACTGTGACCCCCTGTCTGGCCAC-3'

ClinVar aggregate classification (germline): Pathogenic. Review status: criteria provided, multiple submitters, no conflicts (2 of 4 stars). 2 submissions from 2 submitters: Pathogenic (2). Last evaluated 2024-10-16.

Allele frequency attached by ClinVar (database versions not stated): gnomAD exomes 0.00001 and 0.00002; ExAC 0.00002.
gnomAD v4.1: 6 of 1,614,106 alleles (0.00037%); highest among the groups gnomAD compares: Admixed American, 0.01%; no homozygotes.

Submissions (2):

Labcorp Genetics (formerly Invitae), Labcorp
Classification: Pathogenic. Last evaluated: 2024-10-16. Review status: criteria provided, single submitter. Criteria: Invitae Variant Classification Sherloc (09022015). Collection method: clinical testing. Allele origin: germline.
Comment: This sequence change creates a premature translational stop signal (p.Cys810*) in the LAMC3 gene. It is expected to result in an absent or disrupted protein product. Loss-of-function variants in LAMC3 are known to be pathogenic (PMID: 21572413, 26802095). This variant is present in population databases (rs769118642, gnomAD 0.01%). This variant has not been reported in the literature in individuals affected with LAMC3-related conditions. ClinVar contains an entry for this variant (Variation ID: 497752). For these reasons, this variant has been classified as Pathogenic.

Eurofins Ntd Llc (ga)
Classification: Pathogenic. Last evaluated: 2016-11-15. Review status: criteria provided, single submitter. Criteria: EGL Classification Definitions 2015. Collection method: clinical testing. Allele origin: germline. Observed: 1 variant allele, 1 heterozygote.

Literature cited by the submitters: PubMed 21572413 (cited by Labcorp Genetics (formerly Invitae), Labcorp); PubMed 26802095 (cited by Labcorp Genetics (formerly Invitae), Labcorp).